The following is an entry in ClinVar:

NM_005629.4(SLC6A8):c.457G>C (p.Ala153Pro)

Gene: SLC6A8 (solute carrier family 6 member 8; plus strand). Cytogenetic location: Xq28.
Variant type: single nucleotide variant.
Coding change: c.457G>C on transcript NM_005629.4 (MANE Select); coding-DNA position 457, G replaced by C.
Protein change: p.Ala153Pro; replaces alanine 153 with proline.
Molecular consequence: missense variant.
Genome position (GRCh38, 1-based): chrX:153,691,366, G>C. VCF-style: chrX-153691366-G-C. GRCh37 (hg19) VCF-style: chrX-152956821-G-C.
Other names: c.457G>C, p.Ala153Pro (NM_001142805.2); c.112G>C, p.Ala38Pro (NM_001142806.1); short protein forms A153P, A38P.
Identifiers: ClinVar variation 3378317 (VCV003378317.2).

ClinVar aggregate classification (germline): Uncertain significance. Review status: criteria provided, multiple submitters, no conflicts (2 of 4 stars). 2 submissions from 2 submitters: Uncertain significance (2). Last evaluated 2025-10-15.

Conditions:
Inborn genetic diseases. Identifiers: MedGen C0950123, MeSH D030342.

Submissions (2):

Ambry Genetics
Classification: Uncertain significance for Inborn genetic diseases. Last evaluated: 2025-10-15. Review status: criteria provided, single submitter. Criteria: Ambry Variant Classification Scheme 2023. Collection method: clinical testing. Allele origin: germline.
Comment: The c.457G>C (p.A153P) alteration is located in exon 3 (coding exon 3) of the SLC6A8 gene. This alteration results from a G to C substitution at nucleotide position 457, causing the alanine (A) at amino acid position 153 to be replaced by a proline (P). This variant was not reported in population-based cohorts in the Genome Aggregation Database (gnomAD). This nucleotide position is well conserved in available vertebrate species. This alteration is predicted to be deleterious by in silico analysis. Based on insufficient or conflicting evidence, the clinical significance of this alteration remains unclear.

GeneDx
Classification: Uncertain significance. Last evaluated: 2024-05-12. Review status: criteria provided, single submitter. Criteria: GeneDx Variant Classification Process June 2021. Collection method: clinical testing. Allele origin: germline. Affected: yes.
Comment: Not observed at significant frequency in large population cohorts (gnomAD); In silico analysis supports that this missense variant has a deleterious effect on protein structure/function; Has not been previously published as pathogenic or benign to our knowledge.